The following is an entry in ClinVar:

ClinVar aggregate classification (germline): Uncertain significance (1 of 4 stars; one submission).

Conditions:
Fanconi anemia (FA). Also called: Fanconi's anemia. Identifiers: Orphanet 84, MedGen C0015625, MeSH D005199, MONDO:0019391.

Submission:

Labcorp Genetics (formerly Invitae), Labcorp
Classification: Uncertain significance for Fanconi anemia. Last evaluated: 2024-12-26. Review status: criteria provided, single submitter. Criteria: Invitae Variant Classification Sherloc (09022015). Collection method: clinical testing. Allele origin: germline.
Comment: This sequence change replaces histidine, which is basic and polar, with tyrosine, which is neutral and polar, at codon 258 of the FANCL protein (p.His258Tyr). This variant is not present in population databases (gnomAD no frequency). This variant has not been reported in the literature in individuals affected with FANCL-related conditions. Invitae Evidence Modeling of protein sequence and biophysical properties (such as structural, functional, and spatial information, amino acid conservation, physicochemical variation, residue mobility, and thermodynamic stability) indicates that this missense variant is expected to disrupt FANCL protein function with a positive predictive value of 80%. In summary, the available evidence is currently insufficient to determine the role of this variant in disease. Therefore, it has been classified as a Variant of Uncertain Significance.

NM_018062.4(FANCL):c.772C>T (p.His258Tyr)

Gene: FANCL (FA complementation group L; minus strand). Cytogenetic location: 2p16.1.
Variant type: single nucleotide variant.
Coding change: c.772C>T on transcript NM_018062.4 (MANE Select); coding-DNA position 772, C replaced by T.
Protein change: p.His258Tyr; replaces histidine 258 with tyrosine.
Molecular consequence: missense variant. On other transcripts: non-coding transcript variant (2).
Genome position (GRCh38, 1-based): chr2:58,163,437, G>A on the plus strand (C>T on the coding strand, the complement: FANCL is on the minus strand). VCF-style: chr2-58163437-G-A. GRCh37 (hg19) VCF-style: chr2-58390572-G-A.
Other names: c.787C>T, p.His263Tyr (NM_001114636.2); c.817C>T, p.His273Tyr (NM_001374615.1); c.832C>T, p.His278Tyr (NM_001410792.1); short protein forms H273Y, H278Y, H258Y, H263Y.
Identifiers: ClinVar variation 3703661 (VCV003703661.1).